The following is an entry in ClinVar:

ClinVar aggregate classification (germline): Uncertain significance (1 of 4 stars; one submission).

Conditions:
Familial hypokalemia-hypomagnesemia (GTLMNS). Also called: gitelman syndrome; HYPOMAGNESEMIA-HYPOKALEMIA, PRIMARY RENOTUBULAR, WITH HYPOCALCIURIA; POTASSIUM AND MAGNESIUM DEPLETION. Identifiers: Orphanet 358, MedGen C0268450, MONDO:0009904, OMIM 263800.

Submission:

European Hospital Georges Pompidou Genetics Department, Assistance Publique - Hôpitaux de Paris AP-HP
Classification: Uncertain significance for Familial hypokalemia-hypomagnesemia. Last evaluated: 2022-04-27. Review status: criteria provided, single submitter. Criteria: ACMG Guidelines, 2015. Collection method: clinical testing. Allele origin: germline. Affected: yes.
Comment: ACMG criteria used:PM1 PM2 PP3

NM_001126108.2(SLC12A3):c.1349T>G (p.Val450Gly)

Gene: SLC12A3 (solute carrier family 12 member 3; plus strand). Cytogenetic location: 16q13.
Variant type: single nucleotide variant.
Coding change: c.1349T>G on transcript NM_001126108.2 (MANE Select); coding-DNA position 1349, T replaced by G.
Protein change: p.Val450Gly; replaces valine 450 with glycine.
Molecular consequence: missense variant.
Genome position (GRCh38, 1-based): chr16:56,879,555, T>G. VCF-style: chr16-56879555-T-G. GRCh37 (hg19) VCF-style: chr16-56913467-T-G.
Other names: c.1349T>G, p.Val450Gly (NM_000339.3); c.1346T>G, p.Val449Gly (NM_001126107.2); short protein forms V449G, V450G.
Identifiers: ClinVar variation 1684160 (VCV001684160.1), dbSNP rs2144712544, ClinGen allele CA395987283.
Genomic context (GRCh38, chr16:56,879,555, plus strand): 5'-CTGGCTCAGCCCCCACCGTGGAGTCCCTGAGCCCCAAATCCCCACAGACCATGAGCATGG[T>G]GTCAGGCTTCGCGCCCCTGATCACGGCTGGCATCTTCGGGGCCACCCTCTCCTCTGCCCT-3'
Protein context (NP_001119580.2, residues 440-460): LINYYQTMSM[Val450Gly]SGFAPLITAG